The following is an entry in ClinVar:

ClinVar aggregate classification (germline): Uncertain significance (1 of 4 stars; one submission).

Conditions:
Duchenne muscular dystrophy (DMD). Also called: MUSCULAR DYSTROPHY, PSEUDOHYPERTROPHIC PROGRESSIVE, DUCHENNE TYPE; Duchenne Muscular Dystrophy (DMD). Identifiers: Orphanet 98896, MedGen C0013264, MONDO:0010679, OMIM 310200.

Submission:

Labcorp Genetics (formerly Invitae), Labcorp
Classification: Uncertain significance for Duchenne muscular dystrophy. Last evaluated: 2023-12-06. Review status: criteria provided, single submitter. Criteria: Invitae Variant Classification Sherloc (09022015). Collection method: clinical testing. Allele origin: unknown.
Comment: This variant results in a copy number gain of the genomic region encompassing exon(s) 49 of the DMD gene. While the exact position of this variant cannot be determined from the data, sub-genic copy number gains are generally in tandem (PMID: 25640679). This variant is predicted to be in-frame, and likely preserves the integrity of the reading frame. A similar copy number variant has been observed in individual(s) with DMD-related conditions (PMID: 27425820). Experimental studies and prediction algorithms are not available or were not evaluated, and the functional significance of this variant is currently unknown. In summary, the available evidence is currently insufficient to determine the role of this variant in disease. Therefore, it has been classified as a Variant of Uncertain Significance.

Literature cited by the submitters: PubMed 25640679; PubMed 27425820.

NC_000023.10:g.(?_31854815)_(31854956_?)dup

Gene: DMD (dystrophin; minus strand). Cytogenetic location: Xp21.1.
Variant type: Duplication.
Identifiers: ClinVar variation 3242712 (VCV003242712.1).